The following is an entry in ClinVar:

NM_001458.5(FLNC):c.2703G>T (p.Lys901Asn)

Gene: FLNC (filamin C; plus strand). Cytogenetic location: 7q32.1.
Variant type: single nucleotide variant.
Coding change: c.2703G>T on transcript NM_001458.5 (MANE Select); coding-DNA position 2703, G replaced by T.
Protein change: p.Lys901Asn; replaces lysine 901 with asparagine.
Molecular consequence: missense variant.
Genome position (GRCh38, 1-based): chr7:128,843,469, G>T. VCF-style: chr7-128843469-G-T. GRCh37 (hg19) VCF-style: chr7-128483523-G-T.
Other names: c.2703G>T, p.Lys901Asn (NM_001127487.2); short protein forms K901N.
Identifiers: ClinVar variation 431863 (VCV000431863.11), dbSNP rs1554398845, ClinGen allele CA369192959.

ClinVar aggregate classification (germline): Uncertain significance. Review status: criteria provided, multiple submitters, no conflicts (2 of 4 stars). 4 submissions from 4 submitters: Uncertain significance (4). Last evaluated 2024-05-07.

Conditions:
Cardiovascular phenotype. Identifiers: MedGen CN230736.
Myofibrillar myopathy 5. Also called: FILAMINOPATHY, AUTOSOMAL DOMINANT; Filaminopathy (type). Identifiers: Orphanet 171445, MedGen C1836050, MONDO:0012289, OMIM 609524.
Distal myopathy with posterior leg and anterior hand involvement. Also called: WILLIAMS DISTAL MYOPATHY. Identifiers: Orphanet 63273, MedGen C3279722, MONDO:0013550, OMIM 614065.
Dilated Cardiomyopathy, Dominant.
Hypertrophic cardiomyopathy 26. Also called: Cardiomyopathy, familial hypertrophic, 26. Identifiers: Orphanet 75249, MedGen C4310749, MONDO:0014883, OMIM 617047.

Allele frequency attached by ClinVar (database versions not stated): TOPMed 0.00001.
gnomAD v4.1: 3 of 1,614,150 alleles (0.00019%); highest among the groups gnomAD compares: Non-Finnish European, 0.00025%; no homozygotes.

Submissions (4):

Labcorp Genetics (formerly Invitae), Labcorp
Classification: Uncertain significance for Distal myopathy with posterior leg and anterior hand involvement; Myofibrillar myopathy 5; Hypertrophic cardiomyopathy 26. Last evaluated: 2024-05-07. Review status: criteria provided, single submitter. Criteria: Invitae Variant Classification Sherloc (09022015). Collection method: clinical testing. Allele origin: germline.
Comment: This sequence change replaces lysine, which is basic and polar, with asparagine, which is neutral and polar, at codon 901 of the FLNC protein (p.Lys901Asn). This variant is not present in population databases (gnomAD no frequency). This variant has not been reported in the literature in individuals affected with FLNC-related conditions. ClinVar contains an entry for this variant (Variation ID: 431863). Advanced modeling of protein sequence and biophysical properties (such as structural, functional, and spatial information, amino acid conservation, physicochemical variation, residue mobility, and thermodynamic stability) has been performed at Invitae for this missense variant, however the output from this modeling did not meet the statistical confidence thresholds required to predict the impact of this variant on FLNC protein function. In summary, the available evidence is currently insufficient to determine the role of this variant in disease. Therefore, it has been classified as a Variant of Uncertain Significance.

Ambry Genetics
Classification: Uncertain significance for Cardiovascular phenotype. Last evaluated: 2023-05-21. Review status: criteria provided, single submitter. Criteria: Ambry Variant Classification Scheme 2023. Collection method: clinical testing. Allele origin: germline.
Comment: The p.K901N variant (also known as c.2703G>T), located in coding exon 18 of the FLNC gene, results from a G to T substitution at nucleotide position 2703. The lysine at codon 901 is replaced by asparagine, an amino acid with similar properties. This amino acid position is conserved. In addition, this alteration is predicted to be tolerated by in silico analysis. Since supporting evidence is limited at this time, the clinical significance of this alteration remains unclear.

Revvity Omics, Revvity
Classification: Uncertain significance. Last evaluated: 2023-04-25. Review status: criteria provided, single submitter. Criteria: ACMG Guidelines, 2015. Collection method: clinical testing. Allele origin: germline.

GeneDx
Classification: Uncertain significance. Last evaluated: 2016-03-01. Review status: criteria provided, single submitter. Criteria: GeneDx Variant Classification (06012015). Collection method: clinical testing. Allele origin: germline. Affected: yes.
Comment: The K901N variant in the FLNC gene has not been published as a pathogenic variant, nor has it been reported as a benign polymorphism to our knowledge. The K901N variant was not observed in approximately 6,300 individuals of European and African American ancestry in the NHLBI Exome Sequencing Project, indicating it is not a common benign variant in these populations. The K901N variant is a semi-conservative amino acid substitution, which may impact secondary protein structure as these residues differ in some properties. This substitution occurs in the Filamin 7 region at a position in the gene that is conserved in mammals. In silico analysis is inconsistent in its predictions as to whether or not the variant is damaging to the protein structure/function. Therefore, we interpret K901N as a variant of unknown significance